The following is an entry in ClinVar:

ClinVar aggregate classification (germline): Pathogenic (1 of 4 stars; one submission).

Submission:

GeneDx
Classification: Pathogenic. Last evaluated: 2019-02-27. Review status: criteria provided, single submitter. Criteria: GeneDx Variant Classification (06012015). Collection method: clinical testing. Allele origin: germline. Affected: yes.
Comment: The c.2113delT pathogenic variant in the ARID1B gene has not been reported previously as a pathogenic variant, nor as a benign variant, to our knowledge. The c.2113delT variant causes a frameshift starting with codon Serine 705, changes this amino acid to a Proline residue, and creates a premature Stop codon at position 40 of the new reading frame, denoted p.Ser705ProfsX40. This variant is predicted to cause loss of normal protein function either through protein truncation or nonsense-mediated mRNA decay. The c.2113delT variant is not observed in large population cohorts (Lek et al., 2016). We interpret c.2113delT as a pathogenic variant.

NM_001374828.1(ARID1B):c.2323del (p.Ser775fs)

Gene: ARID1B (AT-rich interaction domain 1B; plus strand). Cytogenetic location: 6q25.3.
Variant type: Deletion.
Coding change: c.2323del on transcript NM_001374828.1 (MANE Select); coding-DNA position 2323, one base deleted (T; older notation c.2323delT).
Protein change: p.Ser775fs; shifts the reading frame from serine 775.
Molecular consequence: frameshift variant. On other transcripts: 5 prime UTR variant (1).
Genome position (GRCh38, 1-based): chr6:157,084,737, T deleted. VCF-style (leftmost placement, unchanged base first): chr6-157084736-GT-G. GRCh37 (hg19) VCF-style: chr6-157405870-GT-G.
Other names: c.2113delT (NM_020732.3); c.-177del (NM_001363725.2); c.2362del, p.Ser788fs (NM_001371656.1, NM_001374820.1); c.2323del, p.Ser775fs (NM_017519.3); short protein forms S775fs, S788fs.
Identifiers: ClinVar variation 817445 (VCV000817445.1), dbSNP rs1583279842, ClinGen allele CA915944791.